The following is an entry in ClinVar:

NM_000321.3(RB1):c.112G>A (p.Gly38Ser)

Gene: RB1 (RB transcriptional corepressor 1; plus strand). Cytogenetic location: 13q14.2.
Variant type: single nucleotide variant.
Coding change: c.112G>A on transcript NM_000321.3 (MANE Select); coding-DNA position 112, G replaced by A.
Protein change: p.Gly38Ser; replaces glycine 38 with serine.
Molecular consequence: missense variant.
Genome position (GRCh38, 1-based): chr13:48,304,024, G>A. VCF-style: chr13-48304024-G-A. GRCh37 (hg19) VCF-style: chr13-48878160-G-A.
Other names: c.112G>A, p.Gly38Ser (NM_001407165.1, NM_001407166.1, NM_001407167.1); short protein forms G38S.
Identifiers: ClinVar variation 2562058 (VCV002562058.3), dbSNP rs2138027890, ClinGen allele CA388250353.

ClinVar aggregate classification (germline): Uncertain significance. Review status: criteria provided, multiple submitters, no conflicts (2 of 4 stars). 2 submissions from 2 submitters: Uncertain significance (2). Last evaluated 2023-06-04.

Conditions:
Hereditary cancer-predisposing syndrome. Also called: Neoplastic Syndromes, Hereditary; Hereditary Cancer Syndrome; Hereditary neoplastic syndrome; Tumor predisposition. Identifiers: Orphanet 140162, MedGen C0027672, MeSH D009386, MONDO:0015356.
Retinoblastoma (RB1). Also called: RETINOBLASTOMA, SOMATIC. Identifiers: Orphanet 790, MedGen C0035335, MeSH D012175, MONDO:0008380, OMIM 180200, HP:0009919. Disease mechanism: loss of function. Inheritance: Both sporadic and heritable forms are tested..

Allele frequency attached by ClinVar (database versions not stated): gnomAD exomes below 0.00001.

Submissions (2):

Ambry Genetics
Classification: Uncertain significance for Hereditary cancer-predisposing syndrome. Last evaluated: 2023-06-04. Review status: criteria provided, single submitter. Criteria: Ambry Variant Classification Scheme 2023. Collection method: clinical testing. Allele origin: germline.
Comment: The p.G38S variant (also known as c.112G>A), located in coding exon 1 of the RB1 gene, results from a G to A substitution at nucleotide position 112. The glycine at codon 38 is replaced by serine, an amino acid with similar properties. This amino acid position is highly conserved in available vertebrate species. In addition, the in silico prediction for this alteration is inconclusive. Since supporting evidence is limited at this time, the clinical significance of this alteration remains unclear.

All of Us Research Program, National Institutes of Health
Classification: Uncertain significance for Retinoblastoma. Last evaluated: 2023-05-31. Review status: criteria provided, single submitter. Criteria: ACMG Guidelines, 2015. Collection method: clinical testing. Allele origin: germline. Inheritance: Autosomal dominant inheritance. Observed: 1 variant allele, 1 heterozygote.
Comment: This study involves interpretation of variants in research participants for the purpose of population health screening. Participant phenotype was not available at the time of variant classification. Additional details can be found in publication PMID: 35346344, PMCID: PMC8962531